The following is an entry in ClinVar:

ClinVar aggregate classification (germline): Pathogenic (1 of 4 stars; one submission).

Submission:

GeneDx
Classification: Pathogenic. Last evaluated: 2019-02-14. Review status: criteria provided, single submitter. Criteria: GeneDx Variant Classification (06012015). Collection method: clinical testing. Allele origin: germline. Affected: yes.
Comment: The c.1772dupA variant in the PHF8 gene has not been reported previously as a pathogenic variant nor as a benign variant, to our knowledge. The c.1772dupA variant causes a frameshift starting with codon Isoleucine 592, changes this amino acid to an Aspartic Acid residue, and creates a premature Stop codon at position 9 of the new reading frame, denoted p.Ile592AspfsX9. This variant is predicted to cause loss of normal protein function either through protein truncation or nonsense-mediated mRNA decay. The c.1772dupA variant is not observed in large population cohorts (Lek et al., 2016). We interpret c.1772dupA as a pathogenic variant.

NM_015107.3(PHF8):c.1772dup (p.Ile592fs)

Gene: PHF8 (PHD finger protein 8; minus strand). Cytogenetic location: Xp11.22.
Variant type: Duplication.
Coding change: c.1772dup on transcript NM_015107.3 (MANE Select); coding-DNA position 1772, one base duplicated (A; older notation c.1772dupA).
Protein change: p.Ile592fs; shifts the reading frame from isoleucine 592.
Molecular consequence: frameshift variant.
Genome position (GRCh38, 1-based): chrX:53,987,903, T duplicated on the plus strand (A on the coding strand, the reverse complement: PHF8 is on the minus strand); the first of 2 consecutive T bases (chrX:53,987,903-53,987,904); duplicating either gives the same sequence. VCF-style (leftmost placement, unchanged base first): chrX-53987902-C-CT. GRCh37 (hg19) VCF-style: chrX-54014335-C-CT.
Other names: c.1880dup, p.Ile628fs (NM_001184896.1); c.1469dup, p.Ile491fs (NM_001184897.2); c.1772dup, p.Ile592fs (NM_001184898.2); short protein forms I491fs, I592fs, I628fs.
Identifiers: ClinVar variation 817465 (VCV000817465.1), dbSNP rs1603314287, ClinGen allele CA915951077.